The following is an entry in ClinVar:

NC_000011.9:g.(?_20621219)_(20625990_?)del

Gene: SLC6A5 (solute carrier family 6 member 5; plus strand). Cytogenetic location: 11p15.1.
Variant type: Deletion.
Identifiers: ClinVar variation 3244667 (VCV003244667.1).

ClinVar aggregate classification (germline): Pathogenic (1 of 4 stars; one submission).

Conditions:
Hyperekplexia 3 (HKPX3). Also called: HYPEREKPLEXIA 3, AUTOSOMAL RECESSIVE; HYPEREKPLEXIA 3, AUTOSOMAL DOMINANT. Identifiers: Orphanet 3197, MedGen C3553288, MONDO:0013827, OMIM 614618.

Submission:

Labcorp Genetics (formerly Invitae), Labcorp
Classification: Pathogenic for Hyperekplexia 3. Last evaluated: 2023-05-23. Review status: criteria provided, single submitter. Criteria: Invitae Variant Classification Sherloc (09022015). Collection method: clinical testing. Allele origin: unknown.
Comment: For these reasons, this variant has been classified as Pathogenic. This variant has not been reported in the literature in individuals affected with SLC6A5-related conditions. This variant is a gross deletion of the genomic region encompassing exon(s) 1-3 of the SLC6A5 gene, which includes the initiator codon. This deletion extends beyond the assayed region for this gene and therefore may encompass additional genes. It is expected to result in an absent or disrupted protein product. Loss-of-function variants in SLC6A5 are known to be pathogenic (PMID: 14622583, 16751771, 22700964).

Literature cited by the submitters: PubMed 14622583; PubMed 16751771; PubMed 22700964.